The following is an entry in ClinVar:

NM_030943.4(AMN):c.1141C>T (p.Pro381Ser)

Gene: AMN (amnion associated transmembrane protein; plus strand). Cytogenetic location: 14q32.32.
Variant type: single nucleotide variant.
Coding change: c.1141C>T on transcript NM_030943.4 (MANE Select); coding-DNA position 1141, C replaced by T.
Protein change: p.Pro381Ser; replaces proline 381 with serine.
Molecular consequence: missense variant.
Genome position (GRCh38, 1-based): chr14:102,930,299, C>T. VCF-style: chr14-102930299-C-T. GRCh37 (hg19) VCF-style: chr14-103396636-C-T.
Other names: short protein forms P381S.
Identifiers: ClinVar variation 1441568 (VCV001441568.5), dbSNP rs1345352857, ClinGen allele CA391083504.

ClinVar aggregate classification (germline): Uncertain significance (1 of 4 stars; one submission).

Conditions:
Imerslund-Grasbeck syndrome. Also called: Megaloblastic anemia due to inborn errors of metabolism; PERNICIOUS ANEMIA, JUVENILE, DUE TO SELECTIVE INTESTINAL MALABSORPTION OF VITAMIN B12, WITH PROTEINURIA; ENTEROCYTE COBALAMIN MALABSORPTION; ENTEROCYTE INTRINSIC FACTOR RECEPTOR, DEFECT OF; Imerslund-Gräsbeck syndrome. Identifiers: Orphanet 35858, MedGen C4551825, MONDO:0009853.

Allele frequency attached by ClinVar (database versions not stated): TOPMed 0.00001; gnomAD 0.00003 and 0.00004.
gnomAD v4.1: 15 of 1,371,110 alleles (0.0011%); highest among the groups gnomAD compares: Non-Finnish European, 0.0014%; no homozygotes.

Submission:

Labcorp Genetics (formerly Invitae), Labcorp
Classification: Uncertain significance for Imerslund-Grasbeck syndrome. Last evaluated: 2022-06-27. Review status: criteria provided, single submitter. Criteria: Invitae Variant Classification Sherloc (09022015). Collection method: clinical testing. Allele origin: germline.
Comment: This sequence change replaces proline, which is neutral and non-polar, with serine, which is neutral and polar, at codon 381 of the AMN protein (p.Pro381Ser). This variant is present in population databases (no rsID available, gnomAD 0.03%). This variant has not been reported in the literature in individuals affected with AMN-related conditions. Algorithms developed to predict the effect of missense changes on protein structure and function (SIFT, PolyPhen-2, Align-GVGD) all suggest that this variant is likely to be tolerated. In summary, the available evidence is currently insufficient to determine the role of this variant in disease. Therefore, it has been classified as a Variant of Uncertain Significance.